The following is an entry in ClinVar:

ClinVar aggregate classification (germline): Uncertain significance. Review status: criteria provided, multiple submitters, no conflicts (2 of 4 stars). 2 submissions from 2 submitters: Uncertain significance (2). Last evaluated 2024-02-24.

Conditions:
Hermansky-Pudlak syndrome 5 (HPS5). Identifiers: Orphanet 231512, Orphanet 79430, MedGen C3888004, MONDO:0013557, OMIM 614074.

Allele frequency attached by ClinVar (database versions not stated): ExAC 0.00001; gnomAD exomes 0.00002.
gnomAD v4.1: 16 of 1,613,596 alleles (0.00099%); highest among the groups gnomAD compares: Middle Eastern, 0.033%; no homozygotes.

Submissions (2):

Labcorp Genetics (formerly Invitae), Labcorp
Classification: Uncertain significance. Last evaluated: 2024-02-24. Review status: criteria provided, single submitter. Criteria: Invitae Variant Classification Sherloc (09022015). Collection method: clinical testing. Allele origin: germline.
Comment: This sequence change replaces tryptophan, which is neutral and slightly polar, with leucine, which is neutral and non-polar, at codon 64 of the HPS5 protein (p.Trp64Leu). This variant is present in population databases (rs747733616, gnomAD 0.01%). This variant has not been reported in the literature in individuals affected with HPS5-related conditions. ClinVar contains an entry for this variant (Variation ID: 879789). An algorithm developed to predict the effect of missense changes on protein structure and function (PolyPhen-2) suggests that this variant is likely to be disruptive. In summary, the available evidence is currently insufficient to determine the role of this variant in disease. Therefore, it has been classified as a Variant of Uncertain Significance.

Illumina Laboratory Services, Illumina
Classification: Uncertain significance for Hermansky-Pudlak syndrome 5. Last evaluated: 2018-01-13. Review status: criteria provided, single submitter. Criteria: ICSL Variant Classification Criteria 13 December 2019. Collection method: clinical testing. Allele origin: germline.

NM_181507.2(HPS5):c.191G>T (p.Trp64Leu)

Gene: HPS5 (HPS5 biogenesis of lysosomal organelles complex 2 subunit 2; minus strand). Cytogenetic location: 11p15.1.
Variant type: single nucleotide variant.
Coding change: c.191G>T on transcript NM_181507.2 (MANE Select); coding-DNA position 191, G replaced by T.
Protein change: p.Trp64Leu; replaces tryptophan 64 with leucine.
Molecular consequence: missense variant. On other transcripts: 5 prime UTR variant (1).
Genome position (GRCh38, 1-based): chr11:18,311,942, C>A on the plus strand (G>T on the coding strand, the complement: HPS5 is on the minus strand). VCF-style: chr11-18311942-C-A. GRCh37 (hg19) VCF-style: chr11-18333489-C-A.
Other names: c.-152G>T (NM_007216.4, NM_181508.2); short protein forms W64L.
Identifiers: ClinVar variation 879789 (VCV000879789.10), dbSNP rs747733616, ClinGen allele CA5910551.
Genomic context (GRCh38, chr11:18,311,942, plus strand): 5'-ATGGTGTATGACAGAGCTGCCCTTAATCTTACCCTGTGTGAAAGAAAAAGCCTGTGCTTC[C>A]AGCCTTCTTTCTGAATGAGATGGAGTCCTCCTCCTGAACTGCCCAAAGCCAACCATTTCC-3'
Protein context (NP_852608.1, residues 54-74): GGLHLIQKEG[Trp64Leu]KHRLFLSHRE